The following is an entry in ClinVar:

ClinVar aggregate classification (germline): Uncertain significance. Review status: criteria provided, multiple submitters, no conflicts (2 of 4 stars). 2 submissions from 2 submitters: Uncertain significance (2). Last evaluated 2025-07-10.

Conditions:
ATM-related cancer predisposition. Also called: ATM-related cancer susceptibility. Identifiers: MedGen CN377759, MONDO:0700270.
Ataxia-telangiectasia syndrome (AT). Also called: Ataxia telangiectasia (A-T); Ataxia-telangiectasia, complementation group E; ATAXIA-TELANGIECTASIA, COMPLEMENTATION GROUP A; ATAXIA-TELANGIECTASIA, FRESNO VARIANT; Ataxia-telangiectasia; Cerebello-oculocutaneous telangiectasia. Identifiers: Orphanet 100, MedGen C0004135, MONDO:0008840, OMIM 208900.

Allele frequency attached by ClinVar (database versions not stated): gnomAD exomes below 0.00001.

Submissions (2):

Labcorp Genetics (formerly Invitae), Labcorp
Classification: Uncertain significance for Ataxia-telangiectasia syndrome. Last evaluated: 2025-07-10. Review status: criteria provided, single submitter. Criteria: Invitae Variant Classification Sherloc (09022015). Collection method: clinical testing. Allele origin: germline.
Comment: This sequence change replaces phenylalanine, which is neutral and non-polar, with leucine, which is neutral and non-polar, at codon 897 of the ATM protein (p.Phe897Leu). This variant is not present in population databases (gnomAD no frequency). This missense change has been observed in individual(s) with breast cancer (PMID: 30287823). ClinVar contains an entry for this variant (Variation ID: 236693). Invitae Evidence Modeling of protein sequence and biophysical properties (such as structural, functional, and spatial information, amino acid conservation, physicochemical variation, residue mobility, and thermodynamic stability) indicates that this missense variant is not expected to disrupt ATM protein function with a negative predictive value of 95%. In summary, the available evidence is currently insufficient to determine the role of this variant in disease. Therefore, it has been classified as a Variant of Uncertain Significance.

Dasa
Classification: Uncertain significance for ATM-related cancer predisposition. Last evaluated: 2025-06-24. Review status: criteria provided, single submitter. Criteria: DASA Assertion Criteria. Collection method: clinical testing. Allele origin: germline.
Comment: NM_000051.4(ATM):c.2691C>G (p.Phe897Leu) is a missense variant that results in the substitution of phenylalanine with leucine. This variant is rare in population databases. Computational prediction algorithms are consistent with a benign effect. The currently available literature and clinical evidence are not sufficient to establish a definitive association between this variant and the reported condition. Therefore, this variant is classified as a variant of uncertain significance.

Literature cited by the submitters: PubMed 30287823 (cited by Labcorp Genetics (formerly Invitae), Labcorp).

NM_000051.4(ATM):c.2691C>G (p.Phe897Leu)

Gene: ATM (ATM serine/threonine kinase; plus strand). Cytogenetic location: 11q22.3.
Variant type: single nucleotide variant.
Coding change: c.2691C>G on transcript NM_000051.4 (MANE Select); coding-DNA position 2691, C replaced by G.
Protein change: p.Phe897Leu; replaces phenylalanine 897 with leucine.
Molecular consequence: missense variant.
Genome position (GRCh38, 1-based): chr11:108,268,462, C>G. VCF-style: chr11-108268462-C-G. GRCh37 (hg19) VCF-style: chr11-108139189-C-G.
Other names: c.2691C>G, p.Phe897Leu (NM_001351834.2); short protein forms F897L.
Identifiers: ClinVar variation 236693 (VCV000236693.10), dbSNP rs878853496, ClinGen allele CA10582806.
Genomic context (GRCh38, chr11:108,268,462, plus strand): 5'-ATTTTTAGGTGCCATTAATCCTTTAGCTGAAGAATATCTGTCAAAGCAAGATCTACTTTT[C>G]TTAGACATGCTCAAGTTCTTGTGTTTGTGTGTAACTACTGCTCAGACCAATACTGTGTCC-3'
Protein context (NP_000042.3, residues 887-907): EEYLSKQDLL[Phe897Leu]LDMLKFLCLC